The following is an entry in ClinVar:

ClinVar aggregate classification (germline): Uncertain significance (1 of 4 stars; one submission).

gnomAD v4.1: 1 of 1,614,038 alleles (0.000062%); highest among the groups gnomAD compares: Non-Finnish European, 0.000085%; no homozygotes.

Submission:

GeneDx
Classification: Uncertain significance. Last evaluated: 2024-05-03. Review status: criteria provided, single submitter. Criteria: GeneDx Variant Classification Process June 2021. Collection method: clinical testing. Allele origin: germline. Affected: yes.
Comment: Not observed at significant frequency in large population cohorts (gnomAD); In silico analysis indicates that this missense variant does not alter protein structure/function; Has not been previously published as pathogenic or benign to our knowledge

NM_001348800.3(ZBTB20):c.1549G>T (p.Ala517Ser)

Gene: ZBTB20 (zinc finger and BTB domain containing 20; minus strand). Cytogenetic location: 3q13.31.
Variant type: single nucleotide variant.
Coding change: c.1549G>T on transcript NM_001348800.3 (MANE Select); coding-DNA position 1549, G replaced by T.
Protein change: p.Ala517Ser; replaces alanine 517 with serine.
Molecular consequence: missense variant.
Genome position (GRCh38, 1-based): chr3:114,350,529, C>A on the plus strand (G>T on the coding strand, the complement: ZBTB20 is on the minus strand). VCF-style: chr3-114350529-C-A. GRCh37 (hg19) VCF-style: chr3-114069376-C-A.
Other names: c.1549G>T, p.Ala517Ser (NM_001164342.2, NM_001348803.3, NM_001393393.1 and 1 more transcripts); c.1330G>T, p.Ala444Ser (NM_001164343.2, NM_001164344.4, NM_001164345.4 and 9 more transcripts); short protein forms A444S, A517S.
Identifiers: ClinVar variation 3376103 (VCV003376103.1).
Genomic context (GRCh38, chr3:114,350,529, plus strand): 5'-TCTGCTGGCCTGCCAGGGGCTGTGGCAGGCTGAAGAGGAAAGGCTTGGGGCCACTGCCCG[C>A]GGGCTGGGTAGTGAAGAGGGCTGGCAGGTAGGTGTTGCCAGCTGTGCCAATGACCTGCGT-3'
Protein context (NP_001335729.1, residues 507-527): YLPALFTTQP[Ala517Ser]GSGPKPFLFS